The following is an entry in ClinVar:

ClinVar aggregate classification (germline): Uncertain significance. Review status: criteria provided, multiple submitters, no conflicts (2 of 4 stars). 2 submissions from 2 submitters: Uncertain significance (2). Last evaluated 2024-02-17.

Conditions:
Hereditary cancer-predisposing syndrome. Also called: Tumor predisposition; Neoplastic Syndromes, Hereditary; Hereditary Cancer Syndrome; Hereditary neoplastic syndrome. Identifiers: Orphanet 140162, MedGen C0027672, MeSH D009386, MONDO:0015356.
Familial melanoma. Also called: Hereditary melanoma; Hereditary cutaneous melanoma. Identifiers: Orphanet 618, MedGen C1512419, MONDO:0018961.

Allele frequency attached by ClinVar (database versions not stated): gnomAD exomes below 0.00001.

Submissions (2):

Labcorp Genetics (formerly Invitae), Labcorp
Classification: Uncertain significance for Familial melanoma. Last evaluated: 2024-02-17. Review status: criteria provided, single submitter. Criteria: Invitae Variant Classification Sherloc (09022015). Collection method: clinical testing. Allele origin: germline.
Comment: This sequence change replaces alanine, which is neutral and non-polar, with threonine, which is neutral and polar, at codon 133 of the CDKN2A (p16INK4a) protein (p.Ala133Thr). This variant is present in population databases (no rsID available, gnomAD no frequency). This variant has not been reported in the literature in individuals affected with CDKN2A (p16INK4a)-related conditions. ClinVar contains an entry for this variant (Variation ID: 630684). An algorithm developed to predict the effect of missense changes on protein structure and function (PolyPhen-2) suggests that this variant is likely to be tolerated. In summary, the available evidence is currently insufficient to determine the role of this variant in disease. Therefore, it has been classified as a Variant of Uncertain Significance.

Color Diagnostics, LLC DBA Color Health
Classification: Uncertain significance for Hereditary cancer-predisposing syndrome. Last evaluated: 2018-04-09. Review status: criteria provided, single submitter. Criteria: ACMG Guidelines, 2015. Collection method: clinical testing. Allele origin: germline.

NM_000077.5(CDKN2A):c.397G>A (p.Ala133Thr)

Gene: CDKN2A (cyclin dependent kinase inhibitor 2A; minus strand). Cytogenetic location: 9p21.3.
Variant type: single nucleotide variant.
Coding change: c.397G>A on transcript NM_000077.5; coding-DNA position 397, G replaced by A.
Protein change: p.Ala133Thr; replaces alanine 133 with threonine.
Molecular consequence: missense variant (on NM_000077.6). On other transcripts: 3 prime UTR variant (2).
Genome position (GRCh38, 1-based): chr9:21,970,962, C>T on the plus strand (G>A on the coding strand, the complement: CDKN2A is on the minus strand). VCF-style: chr9-21970962-C-T. GRCh37 (hg19) VCF-style: chr9-21970961-C-T.
Other names: c.397G>A, p.Ala133Thr (NM_000077.6, NM_001195132.2); c.244G>A, p.Ala82Thr (NM_001363763.2); c.*41G>A (NM_058195.4); c.*320G>A (NM_058197.5); short protein forms A133T, A82T.
Identifiers: ClinVar variation 630684 (VCV000630684.12), dbSNP rs1201199303, ClinGen allele CA373085918.